The following is an entry in ClinVar:

ClinVar aggregate classification (germline): Uncertain significance. Review status: criteria provided, multiple submitters, no conflicts (2 of 4 stars). 3 submissions from 3 submitters: Uncertain significance (3). Last evaluated 2023-07-25.

Conditions:
Epidermolysis bullosa simplex, Ogna type (EBS5A). Also called: Pidermolysis bullosa simplex 5A, Ogna type; EPIDERMOLYSIS BULLOSA SIMPLEX 5A, OGNA TYPE. Identifiers: Orphanet 79401, MedGen C0432317, MONDO:0007555, OMIM 131950.
Epidermolysis bullosa simplex 5C, with pyloric atresia (EBS5C). Also called: PLEC-Related Epidermolysis Bullosa with Pyloric Atresia; Epidermolysis bullosa simplex with pyloric atresia; PLEC1-Related Epidermolysis Bullosa with Pyloric Atresia. Identifiers: Orphanet 158684, MedGen C2677349, MONDO:0012807, OMIM 612138.
Autosomal recessive limb-girdle muscular dystrophy type 2Q (LGMDR17). Also called: MUSCULAR DYSTROPHY, LIMB-GIRDLE, AUTOSOMAL RECESSIVE 17. Identifiers: Orphanet 254361, MedGen C3150989, MONDO:0013390, OMIM 613723.
Epidermolysis bullosa simplex 5B, with muscular dystrophy (EBS5B). Also called: EPIDERMOLYSIS BULLOSA SIMPLEX AND LIMB-GIRDLE MUSCULAR DYSTROPHY; Epidermolysis bullosa simplex with muscular dystrophy. Identifiers: Orphanet 257, MedGen C2931072, MONDO:0009181, OMIM 226670.
Epidermolysis bullosa simplex with nail dystrophy (EBS5D). Identifiers: MedGen C4225309, MONDO:0014661, OMIM 616487.

Allele frequency attached by ClinVar (database versions not stated): TOPMed below 0.00001; gnomAD 0.00001; gnomAD exomes 0.00002; ExAC 0.00003.

Submissions (3):

Labcorp Genetics (formerly Invitae), Labcorp
Classification: Uncertain significance for Autosomal recessive limb-girdle muscular dystrophy type 2Q; Epidermolysis bullosa simplex, Ogna type; Epidermolysis bullosa simplex with nail dystrophy; Epidermolysis bullosa simplex 5C, with pyloric atresia; Epidermolysis bullosa simplex 5B, with muscular dystrophy. Last evaluated: 2023-07-25. Review status: criteria provided, single submitter. Criteria: Invitae Variant Classification Sherloc (09022015). Collection method: clinical testing. Allele origin: germline.
Comment: Advanced modeling of protein sequence and biophysical properties (such as structural, functional, and spatial information, amino acid conservation, physicochemical variation, residue mobility, and thermodynamic stability) performed at Invitae indicates that this missense variant is not expected to disrupt PLEC protein function. ClinVar contains an entry for this variant (Variation ID: 290305). This variant has not been reported in the literature in individuals affected with PLEC-related conditions. This variant is present in population databases (rs369715210, gnomAD 0.01%). This sequence change replaces alanine, which is neutral and non-polar, with threonine, which is neutral and polar, at codon 569 of the PLEC protein (p.Ala569Thr). In summary, the available evidence is currently insufficient to determine the role of this variant in disease. Therefore, it has been classified as a Variant of Uncertain Significance.

Revvity Omics, Revvity
Classification: Uncertain significance. Last evaluated: 2019-06-12. Review status: criteria provided, single submitter. Criteria: ACMG Guidelines, 2015. Collection method: clinical testing. Allele origin: germline.

Eurofins Ntd Llc (ga)
Classification: Uncertain significance. Last evaluated: 2016-09-18. Review status: criteria provided, single submitter. Criteria: EGL Classification Definitions 2015. Collection method: clinical testing. Allele origin: germline. Observed: 1 variant allele, 1 heterozygote.

NM_201384.3(PLEC):c.1624G>A (p.Ala542Thr)

Gene: PLEC (plectin; minus strand). Cytogenetic location: 8q24.3.
Variant type: single nucleotide variant.
Coding change: c.1624G>A on transcript NM_201384.3 (MANE Select); coding-DNA position 1624, G replaced by A.
Protein change: p.Ala542Thr; replaces alanine 542 with threonine.
Molecular consequence: missense variant.
Genome position (GRCh38, 1-based): chr8:143,932,906, C>T on the plus strand (G>A on the coding strand, the complement: PLEC is on the minus strand). VCF-style: chr8-143932906-C-T. GRCh37 (hg19) VCF-style: chr8-145007074-C-T.
Other names: c.1705G>A, p.Ala569Thr (NM_000445.5); c.1582G>A, p.Ala528Thr (NM_201378.4); c.1558G>A, p.Ala520Thr (NM_201379.3); c.2035G>A, p.Ala679Thr (NM_201380.4); c.1528G>A, p.Ala510Thr (NM_201381.3); c.1624G>A, p.Ala542Thr (NM_201382.4); c.1636G>A, p.Ala546Thr (NM_201383.3); c.1705G>A (NM_000445.3); short protein forms A520T, A569T, A510T, A528T, A542T, A546T, A679T.
Identifiers: ClinVar variation 290305 (VCV000290305.12), dbSNP rs369715210, ClinGen allele CA4927912.
Genomic context (GRCh38, chr8:143,932,906, plus strand): 5'-GCAGGCCTCGGTGGCTGCCCAGCTGCGCCTCCACGCTGGGCAGGTCCACACCCCACTCAG[C>T]GCCATCCACACGGTGCTGGTTCTCCTCCACCCAGGCCAGCAGGTCCTGCAGGTAGCGCAG-3'
Protein context (NP_958786.1, residues 532-552): VEENQHRVDG[Ala542Thr]EWGVDLPSVE